The following is an entry in ClinVar:

NM_000222.3(KIT):c.34T>C (p.Cys12Arg)

Gene: KIT (KIT proto-oncogene, receptor tyrosine kinase; plus strand). Cytogenetic location: 4q12.
Variant type: single nucleotide variant.
Coding change: c.34T>C on transcript NM_000222.3 (MANE Select); coding-DNA position 34, T replaced by C.
Protein change: p.Cys12Arg; replaces cysteine 12 with arginine.
Molecular consequence: missense variant.
Genome position (GRCh38, 1-based): chr4:54,658,048, T>C. VCF-style: chr4-54658048-T-C. GRCh37 (hg19) VCF-style: chr4-55524215-T-C.
Other names: c.34T>C, p.Cys12Arg (NM_001093772.2, NM_001385284.1, NM_001385285.1 and 4 more transcripts); short protein forms C12R.
Identifiers: ClinVar variation 2086989 (VCV002086989.4), dbSNP rs2109521041, ClinGen allele CA356897936.

ClinVar aggregate classification (germline): Uncertain significance (1 of 4 stars; one submission).

Conditions:
Gastrointestinal stromal tumor. Also called: Gastrointestinal stroma tumor; Gastrointestinal stromal tumor, somatic. Identifiers: Orphanet 44890, MedGen C0238198, MeSH D046152, MONDO:0011719, OMIM 606764, HP:0100723.

Allele frequency attached by ClinVar (database versions not stated): gnomAD exomes below 0.00001.
gnomAD v4.1: 1 of 1,613,776 alleles (0.000062%); highest among the groups gnomAD compares: Non-Finnish European, 0.000085%; no homozygotes.

Submission:

Labcorp Genetics (formerly Invitae), Labcorp
Classification: Uncertain significance for Gastrointestinal stromal tumor. Last evaluated: 2022-12-28. Review status: criteria provided, single submitter. Criteria: Invitae Variant Classification Sherloc (09022015). Collection method: clinical testing. Allele origin: germline.
Comment: In summary, the available evidence is currently insufficient to determine the role of this variant in disease. Therefore, it has been classified as a Variant of Uncertain Significance. Algorithms developed to predict the effect of missense changes on protein structure and function (SIFT, PolyPhen-2, Align-GVGD) all suggest that this variant is likely to be tolerated. This variant has not been reported in the literature in individuals affected with KIT-related conditions. This variant is not present in population databases (gnomAD no frequency). This sequence change replaces cysteine, which is neutral and slightly polar, with arginine, which is basic and polar, at codon 12 of the KIT protein (p.Cys12Arg).